The following is an entry in ClinVar:

ClinVar aggregate classification (germline): Uncertain significance (1 of 4 stars; one submission).

Conditions:
Hyperaldosteronism, familial, type IV (HALD4). Also called: FH IV; ALDOSTERONISM, PRIMARY, AND HYPERTENSION. Identifiers: Orphanet 642671, MedGen C4310756, MONDO:0014875, OMIM 617027.
Idiopathic generalized epilepsy. Also called: EIG; Generalised epilepsy. Identifiers: MedGen C0270850, MONDO:0005579, OMIM 600669.

Submission:

Labcorp Genetics (formerly Invitae), Labcorp
Classification: Uncertain significance for Idiopathic generalized epilepsy; Hyperaldosteronism, familial, type IV. Last evaluated: 2022-07-19. Review status: criteria provided, single submitter. Criteria: Invitae Variant Classification Sherloc (09022015). Collection method: clinical testing. Allele origin: germline.
Comment: In summary, the available evidence is currently insufficient to determine the role of this variant in disease. Therefore, it has been classified as a Variant of Uncertain Significance. This sequence change replaces tryptophan, which is neutral and slightly polar, with arginine, which is basic and polar, at codon 1810 of the CACNA1H protein (p.Trp1810Arg). This variant is not present in population databases (gnomAD no frequency). This variant has not been reported in the literature in individuals affected with CACNA1H-related conditions. ClinVar contains an entry for this variant (Variation ID: 1477807). Algorithms developed to predict the effect of missense changes on protein structure and function (SIFT, PolyPhen-2, Align-GVGD) all suggest that this variant is likely to be disruptive.

NM_021098.3(CACNA1H):c.5428T>C (p.Trp1810Arg)

Gene: CACNA1H (calcium voltage-gated channel subunit alpha1 H; plus strand). Cytogenetic location: 16p13.3.
Variant type: single nucleotide variant.
Coding change: c.5428T>C on transcript NM_021098.3 (MANE Select); coding-DNA position 5428, T replaced by C.
Protein change: p.Trp1810Arg; replaces tryptophan 1810 with arginine.
Molecular consequence: missense variant.
Genome position (GRCh38, 1-based): chr16:1,218,023, T>C. VCF-style: chr16-1218023-T-C. GRCh37 (hg19) VCF-style: chr16-1268023-T-C.
Other names: c.5410T>C, p.Trp1804Arg (NM_001005407.2); short protein forms W1804R, W1810R.
Identifiers: ClinVar variation 1477807 (VCV001477807.8), dbSNP rs2141392324, ClinGen allele CA394147137.